The following is an entry in ClinVar:

NM_021961.6(TEAD1):c.22G>C (p.Gly8Arg)

Gene: TEAD1 (TEA domain transcription factor 1; plus strand). Cytogenetic location: 11p15.3.
Variant type: single nucleotide variant.
Coding change: c.22G>C on transcript NM_021961.6 (MANE Select); coding-DNA position 22, G replaced by C.
Protein change: p.Gly8Arg; replaces glycine 8 with arginine.
Molecular consequence: missense variant.
Genome position (GRCh38, 1-based): chr11:12,764,254, G>C. VCF-style: chr11-12764254-G-C. GRCh37 (hg19) VCF-style: chr11-12785801-G-C.
Other names: short protein forms G8R.
Identifiers: ClinVar variation 2848657 (VCV002848657.3), dbSNP rs377174338, ClinGen allele CA379855435.

ClinVar aggregate classification (germline): Uncertain significance (1 of 4 stars; one submission).

Submission:

Labcorp Genetics (formerly Invitae), Labcorp
Classification: Uncertain significance. Last evaluated: 2023-03-22. Review status: criteria provided, single submitter. Criteria: Invitae Variant Classification Sherloc (09022015). Collection method: clinical testing. Allele origin: germline.
Comment: This sequence change replaces glycine, which is neutral and non-polar, with arginine, which is basic and polar, at codon 8 of the TEAD1 protein (p.Gly8Arg). This variant is not present in population databases (gnomAD no frequency). This variant has not been reported in the literature in individuals affected with TEAD1-related conditions. An algorithm developed to predict the effect of missense changes on protein structure and function (PolyPhen-2) suggests that this variant is likely to be disruptive. In summary, the available evidence is currently insufficient to determine the role of this variant in disease. Therefore, it has been classified as a Variant of Uncertain Significance.